The following is an entry in ClinVar:

NM_021167.5(GATAD1):c.-9C>T

Genes: GATAD1 (GATA zinc finger domain containing 1; plus strand), LOC129998793 (ATAC-STARR-seq lymphoblastoid silent region 18371; plus strand). Cytogenetic location: 7q21.2.
Variant type: single nucleotide variant.
Coding change: c.-9C>T on transcript NM_021167.5 (MANE Select); 9 bases upstream of the start codon, C replaced by T.
Molecular consequence: 5 prime UTR variant. On other transcripts: non-coding transcript variant (1).
Genome position (GRCh38, 1-based): chr7:92,447,721, C>T. VCF-style: chr7-92447721-C-T. GRCh37 (hg19) VCF-style: chr7-92077035-C-T.
Identifiers: ClinVar variation 668316 (VCV000668316.1), dbSNP rs1027875380, ClinGen allele CA161960668.
Genomic context (GRCh38, chr7:92,447,721, plus strand): 5'-GGGGCGGCCGGGCTACCGTCCGCCATTCCCGTGTCTCTGCGCCCGCGGGGGCCGCCCGAG[C>T]CGGCCACCATGCCGCTGGGCCTGAAGCCCACCTGCAGCGTATGCAAGACCACGTCGTCCT-3'

ClinVar aggregate classification (germline): Likely benign (1 of 4 stars; one submission).

Allele frequency attached by ClinVar (database versions not stated): TOPMed below 0.00001; gnomAD 0.00001.
gnomAD v4.1: 11 of 1,459,238 alleles (0.00075%); highest among the groups gnomAD compares: Admixed American, 0.014%; no homozygotes.

Submission:

GeneDx
Classification: Likely benign. Last evaluated: 2018-05-16. Review status: criteria provided, single submitter. Criteria: GeneDx Variant Classification (06012015). Collection method: clinical testing. Allele origin: germline. Affected: yes.
Comment: This variant is considered likely benign or benign based on one or more of the following criteria: it is a conservative change, it occurs at a poorly conserved position in the protein, it is predicted to be benign by multiple in silico algorithms, and/or has population frequency not consistent with disease.